The following is an entry in ClinVar:

ClinVar aggregate classification (germline): Pathogenic (1 of 4 stars; one submission).

Conditions:
Familial focal epilepsy with variable foci (FPEVF). Identifiers: Orphanet 98820, MedGen C1858477, MONDO:0020310.

Submission:

Labcorp Genetics (formerly Invitae), Labcorp
Classification: Pathogenic for Familial focal epilepsy with variable foci. Last evaluated: 2023-08-30. Review status: criteria provided, single submitter. Criteria: Invitae Variant Classification Sherloc (09022015). Collection method: clinical testing. Allele origin: germline.
Comment: For these reasons, this variant has been classified as Pathogenic. This variant disrupts a region of the DEPDC5 protein in which other variant(s) (p.Asp1565*) have been determined to be pathogenic (PMID: 28549235, 31639411). This suggests that this is a clinically significant region of the protein, and that variants that disrupt it are likely to be disease-causing. ClinVar contains an entry for this variant (Variation ID: 2009694). This variant has not been reported in the literature in individuals affected with DEPDC5-related conditions. This variant is not present in population databases (gnomAD no frequency). This sequence change creates a premature translational stop signal (p.Tyr1546*) in the DEPDC5 gene. While this is not anticipated to result in nonsense mediated decay, it is expected to disrupt the last 58 amino acid(s) of the DEPDC5 protein.

Literature cited by the submitters: PubMed 28549235; PubMed 31639411.

NM_001242896.3(DEPDC5):c.4638del (p.Gly1545_Tyr1546insTer)

Gene: DEPDC5 (DEP domain containing 5, GATOR1 subcomplex subunit; plus strand). Cytogenetic location: 22q12.3.
Variant type: Deletion.
Coding change: c.4638del on transcript NM_001242896.3 (MANE Select); coding-DNA position 4638, one base deleted (C; older notation c.4638delC).
Protein change: p.Gly1545_Tyr1546insTer.
Molecular consequence: nonsense. On other transcripts: non-coding transcript variant (5).
Genome position (GRCh38, 1-based): chr22:31,906,323, C deleted. VCF-style (leftmost placement, unchanged base first): chr22-31906322-AC-A. GRCh37 (hg19) VCF-style: chr22-32302308-AC-A.
Other names: c.4611del, p.Gly1536_Tyr1537insTer (NM_001136029.4); c.4338del, p.Gly1445_Tyr1446insTer (NM_001242897.2); c.4572del, p.Gly1523_Tyr1524insTer (NM_001363852.2, NM_001364320.2); c.4404del, p.Gly1467_Tyr1468insTer (NM_001363854.2, NM_001364319.2); c.4638del, p.Gly1545_Tyr1546insTer (NM_001364318.2); c.4554del, p.Gly1517_Tyr1518insTer (NM_001369901.1, NM_001369902.1); c.4545del, p.Gly1514_Tyr1515insTer (NM_001369903.1, NM_014662.6).
Identifiers: ClinVar variation 2009694 (VCV002009694.4), dbSNP rs2523599212, ClinGen allele CA2580099662.
Genomic context (GRCh38, chr22:31,906,322, plus strand): 5'-GGCGGCGGAACTCCACCAGCTCCACCAACCAGAACATGTTCTGCGAGGAGCGGGTCGGCT[AC>A]AACTGGGCCTACAACACCATGCTCACCAAAACATGGCGCTCCAGCGCCACAGGGGATGAA-3'